The following is an entry in ClinVar:

ClinVar aggregate classification (germline): Uncertain significance (0 of 4 stars; one submission).

Conditions:
SIX5-related disorder. Also called: SIX5-related condition.

Submission:

PreventionGenetics, part of Exact Sciences
Classification: Uncertain significance for SIX5-related condition. Last evaluated: 2024-04-03. Review status: no assertion criteria provided. Collection method: clinical testing. Allele origin: germline.
Comment: The SIX5 c.67_72dup6 variant is predicted to result in an in-frame duplication (p.Ala23_Ala24dup). To our knowledge, this variant has not been reported in the literature or in a large population database, indicating this variant is rare. At this time, the clinical significance of this variant is uncertain due to the absence of conclusive functional and genetic evidence.

NM_175875.5(SIX5):c.58GCG[7] (p.Ala24_Thr25insAlaAla)

Genes: DM1-AS (DM1 locus antisense RNA; plus strand), SIX5 (SIX homeobox 5; minus strand), LOC107075317 (origin of replication in DMPK trinucleotide repeat region; plus strand). Cytogenetic location: 19q13.32.
Variant type: Microsatellite.
Coding change: c.58GCG[7] on transcript NM_175875.5 (MANE Select); seven copies in a row of the 3-base unit GCG starting at c.58; the reference has five copies in a row; two copies, 6 bases duplicated.
Protein change: p.Ala24_Thr25insAlaAla.
Molecular consequence: inframe insertion.
Genome position (GRCh38, 1-based): chr19:45,768,773-45,768,778, CGCCGC duplicated on the plus strand (GCGGCG on the coding strand, the reverse complement: SIX5 is on the minus strand); duplicating any 6 consecutive bases within chr19:45,768,773-45,768,788 gives the same sequence; the position shown is the placement nearest the transcript's 3' end. VCF-style (leftmost placement, unchanged base first): chr19-45768772-T-TCGCCGC. GRCh37 (hg19) VCF-style: chr19-46272030-T-TCGCCGC.
Identifiers: ClinVar variation 3353280 (VCV003353280.1).
Genomic context (GRCh38, chr19:45,768,772, plus strand): 5'-CACCCTCGGCCGCCTGCAAAGTCTGCAAGAGCTGGCGCGCTTCCTCCTCCTCCTCTTCGG[T>TCGCCGC]CGCCGCCGCCGCCGCCACCGCCTCCCCCCCAGCCGCCGGCCCCGCGCTCGGCTCCGCAGG-3'